The following is an entry in ClinVar:

NM_182914.3(SYNE2):c.7221+5G>C

Gene: SYNE2 (spectrin repeat containing nuclear envelope protein 2; plus strand). Cytogenetic location: 14q23.2.
Variant type: single nucleotide variant.
Coding change: c.7221+5G>C on transcript NM_182914.3 (MANE Select); 5 bases into the intron after coding-DNA position 7221, G replaced by C.
Molecular consequence: intron variant.
Genome position (GRCh38, 1-based): chr14:64,031,362, G>C. VCF-style: chr14-64031362-G-C. GRCh37 (hg19) VCF-style: chr14-64498080-G-C.
Other names: c.7221+5G>C (NM_015180.6).
Identifiers: ClinVar variation 2894386 (VCV002894386.3), dbSNP rs767909847, ClinGen allele CA614734999.

ClinVar aggregate classification (germline): Uncertain significance (1 of 4 stars; one submission).

Conditions:
Emery-Dreifuss muscular dystrophy 5, autosomal dominant (EDMD5). Also called: EMERY-DREIFUSS MUSCULAR DYSTROPHY 5. Identifiers: Orphanet 261, MedGen C2751805, MONDO:0013072, OMIM 612999.

Allele frequency attached by ClinVar (database versions not stated): gnomAD 0.00001.
gnomAD v4.1: 14 of 1,612,762 alleles (0.00087%); highest among the groups gnomAD compares: Non-Finnish European, 0.0012%; no homozygotes.

Submission:

Labcorp Genetics (formerly Invitae), Labcorp
Classification: Uncertain significance for Emery-Dreifuss muscular dystrophy 5, autosomal dominant. Last evaluated: 2023-08-09. Review status: criteria provided, single submitter. Criteria: Invitae Variant Classification Sherloc (09022015). Collection method: clinical testing. Allele origin: germline.
Comment: This sequence change falls in intron 45 of the SYNE2 gene. It does not directly change the encoded amino acid sequence of the SYNE2 protein. It affects a nucleotide within the consensus splice site. This variant is present in population databases (no rsID available, gnomAD 0.0009%). This variant has not been reported in the literature in individuals affected with SYNE2-related conditions. Variants that disrupt the consensus splice site are a relatively common cause of aberrant splicing (PMID: 17576681, 9536098). Algorithms developed to predict the effect of sequence changes on RNA splicing suggest that this variant is not likely to affect RNA splicing. In summary, the available evidence is currently insufficient to determine the role of this variant in disease. Therefore, it has been classified as a Variant of Uncertain Significance.

Literature cited by the submitters: PubMed 17576681; PubMed 9536098.